The following is an entry in ClinVar:

NM_001365999.1(SZT2):c.3953T>C (p.Val1318Ala)

Gene: SZT2 (SZT2 subunit of KICSTOR complex; plus strand). Cytogenetic location: 1p34.2.
Variant type: single nucleotide variant.
Coding change: c.3953T>C on transcript NM_001365999.1 (MANE Select); coding-DNA position 3953, T replaced by C.
Protein change: p.Val1318Ala; replaces valine 1318 with alanine.
Molecular consequence: missense variant.
Genome position (GRCh38, 1-based): chr1:43,428,273, T>C. VCF-style: chr1-43428273-T-C. GRCh37 (hg19) VCF-style: chr1-43893944-T-C.
Other names: c.3782T>C, p.Val1261Ala (NM_015284.4); short protein forms V1261A, V1318A.
Identifiers: ClinVar variation 4086133 (VCV004086133.2).

ClinVar aggregate classification (germline): Uncertain significance. Review status: criteria provided, multiple submitters, no conflicts (2 of 4 stars). 2 submissions from 2 submitters: Uncertain significance (2). Last evaluated 2020-09-17.

Conditions:
Developmental and epileptic encephalopathy, 18 (DEE18). Also called: Early infantile epileptic encephalopathy 18. Identifiers: Orphanet 369894, MedGen C3809624, MONDO:0014201, OMIM 615476.

Submissions (2):

Blueprint Genetics
Classification: Uncertain significance. Last evaluated: 2020-09-17. Review status: criteria provided, single submitter. Criteria: ACMG Guidelines, 2015. Collection method: clinical testing. Allele origin: germline.

Neuberg Centre For Genomic Medicine, NCGM
Classification: Uncertain significance for Developmental and epileptic encephalopathy, 18. Review status: criteria provided, single submitter. Criteria: ACMG Guidelines, 2015. Collection method: clinical testing. Allele origin: germline. Inheritance: Autosomal recessive inheritance. Affected: yes.
Comment: This variant has not been reported previously in literature. For these reasons, this variant has been classified as Uncertain Significance.